The following is an entry in ClinVar:

NM_000202.8(IDS):c.448_471del (p.Pro150_Pro157del)

Genes: IDS (iduronate 2-sulfatase; minus strand), LOC106050102 (IDS recombination region; plus strand). Cytogenetic location: Xq28.
Variant type: Deletion.
Coding change: c.448_471del on transcript NM_000202.8 (MANE Select); coding-DNA positions 448 to 471, 24 bases deleted (CCGTATAGCTGGTCTTTTCCACCT).
Protein change: p.Pro150_Pro157del.
Molecular consequence: inframe deletion. On other transcripts: non-coding transcript variant (1).
Genome position (GRCh38, 1-based): chrX:149,500,985-149,501,008, AGGTGGAAAAGACCAGCTATACGG deleted on the plus strand (CCGTATAGCTGGTCTTTTCCACCT on the coding strand, the reverse complement: IDS is on the minus strand); deleting any 24 consecutive bases within chrX:149,500,985-149,501,010 gives the same sequence; the c. name uses the placement nearest the transcript's 3' end. VCF-style (leftmost placement, unchanged base first): chrX-149500984-AAGGTGGAAAAGACCAGCTATACGG-A. GRCh37 (hg19) VCF-style: chrX-148582515-AAGGTGGAAAAGACCAGCTATACGG-A.
Other names: c.178_201del, p.Pro60_Pro67del (NM_001166550.4); c.448_471del, p.Pro150_Pro157del (NM_006123.5).
Identifiers: ClinVar variation 3255733 (VCV003255733.2).

ClinVar aggregate classification (germline): Likely pathogenic (1 of 4 stars; one submission).

Conditions:
Mucopolysaccharidosis, MPS-II (MPS2). Also called: Hunter Syndrome; IDURONATE 2-SULFATASE DEFICIENCY; Mucopolysaccharidosis Type II; Mucopolysaccharidosis type 2; Attenuated MPS (subtype; formerly known as mild MPS II); Severe MPS II. Identifiers: Orphanet 580, Orphanet 79388, MedGen C0026705, MONDO:0010674, OMIM 309900.

Submission:

Laboratory of Diagnosis and Therapy of Lysosomal Disorders, University of Padova
Classification: Likely pathogenic for Mucopolysaccharidosis, MPS-II. Last evaluated: 2024-06-07. Review status: criteria provided, single submitter. Criteria: ACMG Guidelines, 2015. Collection method: literature only. Allele origin: germline. Affected: yes. Observed: 1 variant allele.
Comment: Absent from controls (or at low frequency) in gnomAD database (PM2_Moderate), Protein length changes in a nonrepeat region or stop–loss variants (PM4_Moderate), Patient’s phenotype or family history highly specific for the disease (PP4_Strong)

Classification method: ACMG Guidelines [PMID:25741868] with modifications

Literature cited by the submitters: PubMed 27351199.